The following is an entry in ClinVar:

ClinVar aggregate classification (germline): Likely pathogenic (1 of 4 stars; one submission).

Conditions:
Severe myoclonic epilepsy in infancy (DRVT). Also called: Dravet syndrome; Epileptic encephalopathy, early infantile, 6 (Dravet syndrome); SEVERE MYOCLONIC EPILEPSY OF INFANCY; DEVELOPMENTAL AND EPILEPTIC ENCEPHALOPATHY 6A; Severe Myoclonic Epilepsy in Infancy (SMEI). Identifiers: Orphanet 33069, MedGen C0751122, MONDO:0100135, OMIM 607208.

Submission:

Department of Child Neurology, National Center Hospital, National Center of Neurology and Psychiatry
Classification: Likely pathogenic for Severe myoclonic epilepsy in infancy. Last evaluated: 2024-12-16. Review status: criteria provided, single submitter. Criteria: ACMG Guidelines, 2015. Collection method: clinical testing. Allele origin: unknown. Affected: yes. Observed: 1 variant allele.
Comment: This variant is a splice junction mutation predicted to cause splicing abnormalities, such as exon skipping or intron retention, leading to a truncating variant and subsequent nonsense-mediated mRNA decay (NMD). This variant was predicted to be deleterious by multiple in silico tools. Based on the American College of Medical Genetics and Genomics (ACMG) standards and guidelines, as well as recommendations from the ClinGen Sequence Variant Interpretation Working Group, c.45_46del (p.Gln16Alafs*65) was classified as likely pathogenic.

NM_001165963.4(SCN1A):c.4852+1G>C

Genes: SCN1A (sodium voltage-gated channel alpha subunit 1; minus strand), LOC102724058 (uncharacterized LOC102724058; plus strand). Cytogenetic location: 2q24.3.
Variant type: single nucleotide variant.
Coding change: c.4852+1G>C on transcript NM_001165963.4 (MANE Select); the canonical splice donor site of the intron after coding-DNA position 4852, G replaced by C.
Molecular consequence: splice donor variant.
Genome position (GRCh38, 1-based): chr2:165,994,145, C>G on the plus strand (G>C on the coding strand, the complement: SCN1A is on the minus strand). VCF-style: chr2-165994145-C-G. GRCh37 (hg19) VCF-style: chr2-166850655-C-G.
Other names: c.4819+1G>C (NM_001353949.2, NM_001353950.2, NM_001353951.2 and 2 more transcripts); c.4768+1G>C (NM_001353958.2, NM_001353957.2, NM_001165964.3); c.4852+1G>C (NM_001202435.3, NM_001353948.2); c.4816+1G>C (NM_001353955.2, NM_001353954.2); c.4765+1G>C (NM_001353960.2); c.2410+1G>C (NM_001353961.2).
Identifiers: ClinVar variation 3774339 (VCV003774339.1).
Genomic context (GRCh38, chr2:165,994,145, plus strand): 5'-CTTGATTGTTTCAGCTTTCACTTTTATTTAACTGAATTTAAGAACTTTAAATATTTCTTA[C>G]CTACAATGGAGAGAATGACAACCACAAAATCAAAAATATTCCATCCAATGGTAAAATAAT-3'